The following is an entry in ClinVar:

NM_170682.4(P2RX2):c.996+27G>A

Gene: P2RX2 (purinergic receptor P2X 2; plus strand). Cytogenetic location: 12q24.33.
Variant type: single nucleotide variant.
Coding change: c.996+27G>A on transcript NM_170682.4 (MANE Select); 27 bases into the intron after coding-DNA position 996, G replaced by A.
Molecular consequence: intron variant.
Genome position (GRCh38, 1-based): chr12:132,621,372, G>A. VCF-style: chr12-132621372-G-A. GRCh37 (hg19) VCF-style: chr12-133197958-G-A.
Other names: c.1015+8G>A (NM_001282165.2); c.996+27G>A (NM_170683.4, NM_174873.3); c.924+27G>A (NM_016318.4); c.894+27G>A (NM_001282164.2); c.780+27G>A (NM_012226.5); c.720+27G>A (NM_174872.3).
Identifiers: ClinVar variation 3042326 (VCV003042326.3), dbSNP rs199942142, ClinGen allele CA6891755.

ClinVar aggregate classification (germline): Likely benign. Review status: criteria provided, single submitter (1 of 4 stars). 2 submissions from 2 submitters: Likely benign (1). 1 of the submissions does not count toward it. Last evaluated 2024-11-08.

Conditions:
P2RX2-related disorder. Also called: P2RX2-related condition.

Allele frequency attached by ClinVar (database versions not stated): ESP Exome Variant Server 0.00008; ExAC 0.00011; 1000 Genomes Project 30x 0.00016; TOPMed 0.00016; gnomAD 0.00019; 1000 Genomes Project 0.00020; gnomAD exomes 0.00032.
gnomAD v4.1: 499 of 1,613,296 alleles (0.031%); highest among the groups gnomAD compares: Non-Finnish European, 0.04%; 1 homozygote.

Submissions (2):

Blueprint Genetics
Classification: Likely benign. Last evaluated: 2024-11-08. Review status: criteria provided, single submitter. Criteria: ACMG Guidelines, 2015. Collection method: clinical testing. Allele origin: germline.

PreventionGenetics, part of Exact Sciences
Classification: Likely benign for P2RX2-related condition. Last evaluated: 2020-01-06. Review status: no assertion criteria provided. Collection method: clinical testing. Allele origin: germline. Not counted in ClinVar's aggregate classification.
Comment: This variant is classified as likely benign based on ACMG/AMP sequence variant interpretation guidelines (Richards et al. 2015 PMID: 25741868, with internal and published modifications).